The following is an entry in ClinVar:

ClinVar aggregate classification (germline): Benign (0 of 4 stars; one submission).

Conditions:
GJC3-related disorder. Also called: GJC3-related condition.

Allele frequency attached by ClinVar (database versions not stated): 1000 Genomes Project 0.00978; 1000 Genomes Project 30x 0.01077; TOPMed 0.01954; ExAC 0.02160; gnomAD 0.02164; ESP Exome Variant Server 0.02184; gnomAD exomes 0.02494.

Submission:

PreventionGenetics, part of Exact Sciences
Classification: Benign for GJC3-related condition. Last evaluated: 2019-07-30. Review status: no assertion criteria provided. Collection method: clinical testing. Allele origin: germline.
Comment: This variant is classified as benign based on ACMG/AMP sequence variant interpretation guidelines (Richards et al. 2015 PMID: 25741868, with internal and published modifications).

NM_181538.3(GJC3):c.800C>T (p.Ala267Val)

Gene: GJC3 (gap junction protein gamma 3; minus strand). Cytogenetic location: 7q22.1.
Variant type: single nucleotide variant.
Coding change: c.800C>T on transcript NM_181538.3 (MANE Select); coding-DNA position 800, C replaced by T.
Protein change: p.Ala267Val; replaces alanine 267 with valine.
Molecular consequence: missense variant.
Genome position (GRCh38, 1-based): chr7:99,923,585, G>A on the plus strand (C>T on the coding strand, the complement: GJC3 is on the minus strand). VCF-style: chr7-99923585-G-A. GRCh37 (hg19) VCF-style: chr7-99521208-G-A.
Other names: short protein forms A267V.
Identifiers: ClinVar variation 3055375 (VCV003055375.2), dbSNP rs118082856, ClinGen allele CA4371174.